The following is an entry in ClinVar:

ClinVar aggregate classification (germline): Uncertain significance (1 of 4 stars; one submission).

Conditions:
Combined oxidative phosphorylation defect type 14. Also called: Combined oxidative phosphorylation deficiency 14. Identifiers: Orphanet 319519, MedGen C4755312, MONDO:0013986, OMIM 614946.

Allele frequency attached by ClinVar (database versions not stated): gnomAD exomes 0.00001.
gnomAD v4.1: 15 of 1,614,078 alleles (0.00093%); highest among the groups gnomAD compares: Non-Finnish European, 0.0013%; no homozygotes.

Submission:

Labcorp Genetics (formerly Invitae), Labcorp
Classification: Uncertain significance for Combined oxidative phosphorylation defect type 14. Last evaluated: 2022-01-28. Review status: criteria provided, single submitter. Criteria: Invitae Variant Classification Sherloc (09022015). Collection method: clinical testing. Allele origin: germline.
Comment: This sequence change replaces methionine, which is neutral and non-polar, with valine, which is neutral and non-polar, at codon 321 of the FARS2 protein (p.Met321Val). This variant is present in population databases (no rsID available, gnomAD 0.002%). This variant has not been reported in the literature in individuals affected with FARS2-related conditions. ClinVar contains an entry for this variant (Variation ID: 934250). Advanced modeling of protein sequence and biophysical properties (such as structural, functional, and spatial information, amino acid conservation, physicochemical variation, residue mobility, and thermodynamic stability) performed at Invitae indicates that this missense variant is expected to disrupt FARS2 protein function. In summary, the available evidence is currently insufficient to determine the role of this variant in disease. Therefore, it has been classified as a Variant of Uncertain Significance.

NM_006567.5(FARS2):c.961A>G (p.Met321Val)

Gene: FARS2 (phenylalanyl-tRNA synthetase 2, mitochondrial; plus strand). Cytogenetic location: 6p25.1.
Variant type: single nucleotide variant.
Coding change: c.961A>G on transcript NM_006567.5 (MANE Select); coding-DNA position 961, A replaced by G.
Protein change: p.Met321Val; replaces methionine 321 with valine.
Molecular consequence: missense variant.
Genome position (GRCh38, 1-based): chr6:5,545,236, A>G. VCF-style: chr6-5545236-A-G. GRCh37 (hg19) VCF-style: chr6-5545469-A-G.
Other names: c.961A>G, p.Met321Val (NM_001318872.2, NM_001374875.1, NM_001374876.1 and 4 more transcripts); c.829A>G, p.Met277Val (NM_001375258.1); c.265A>G, p.Met89Val (NM_001375259.1, NM_001375260.1); short protein forms M277V, M321V, M89V.
Identifiers: ClinVar variation 934250 (VCV000934250.7), dbSNP rs1405389231, ClinGen allele CA362736487.